The following is an entry in ClinVar:

NM_004082.5(DCTN1):c.1037T>C (p.Ile346Thr)

Gene: DCTN1 (dynactin subunit 1; minus strand). Cytogenetic location: 2p13.1.
Variant type: single nucleotide variant.
Coding change: c.1037T>C on transcript NM_004082.5 (MANE Select); coding-DNA position 1037, T replaced by C.
Protein change: p.Ile346Thr; replaces isoleucine 346 with threonine.
Molecular consequence: missense variant. On other transcripts: non-coding transcript variant (1).
Genome position (GRCh38, 1-based): chr2:74,370,632, A>G on the plus strand (T>C on the coding strand, the complement: DCTN1 is on the minus strand). VCF-style: chr2-74370632-A-G. GRCh37 (hg19) VCF-style: chr2-74597759-A-G.
Other names: c.977T>C, p.Ile326Thr (NM_001135040.3); c.635T>C, p.Ile212Thr (NM_001135041.3, NM_023019.4); c.926T>C, p.Ile309Thr (NM_001190836.2); c.1016T>C, p.Ile339Thr (NM_001190837.2); c.986T>C, p.Ile329Thr (NM_001378991.1); c.968T>C, p.Ile323Thr (NM_001378992.1); short protein forms I309T, I323T, I326T, I339T, I212T, I329T, I346T.
Identifiers: ClinVar variation 1772979 (VCV001772979.4), dbSNP rs2529159411, ClinGen allele CA347363762.

ClinVar aggregate classification (germline): Uncertain significance. Review status: criteria provided, multiple submitters, no conflicts (2 of 4 stars). 2 submissions from 2 submitters: Uncertain significance (2). Last evaluated 2024-10-13.

Conditions:
Amyotrophic lateral sclerosis type 1 (ALS1). Also called: AMYOTROPHIC LATERAL SCLEROSIS 1, FAMILIAL. Identifiers: Orphanet 803, MedGen C1862939, MONDO:0007103, OMIM 105400.
Neuronopathy, distal hereditary motor, type 7B. Also called: HMN VIIB; LOWER MOTOR NEURON DISEASE, DYNACTIN TYPE; NEURONOPATHY, DISTAL HEREDITARY MOTOR, AUTOSOMAL DOMINANT 14; NEURONOPATHY, DISTAL HEREDITARY MOTOR, HARDING TYPE VIIB; NEUROPATHY, DISTAL HEREDITARY MOTOR, HARDING TYPE VIIB; NEUROPATHY, DISTAL HEREDITARY MOTOR, WITH VOCAL CORD PARALYSIS, HARDING TYPE VIIB. Identifiers: Orphanet 139589, MedGen C1843315, MONDO:0011879, OMIM 607641.
Perry syndrome. Also called: PARKINSONISM WITH ALVEOLAR HYPOVENTILATION AND MENTAL DEPRESSION. Identifiers: Orphanet 178509, MedGen C1868594, MONDO:0008201, OMIM 168605.
Inborn genetic diseases. Identifiers: MedGen C0950123, MeSH D030342.

gnomAD v4.1: 3 of 1,614,018 alleles (0.00019%); highest among the groups gnomAD compares: South Asian, 0.0011%; no homozygotes.

Submissions (2):

Labcorp Genetics (formerly Invitae), Labcorp
Classification: Uncertain significance for Amyotrophic lateral sclerosis type 1; Neuronopathy, distal hereditary motor, type 7B; Perry syndrome. Last evaluated: 2024-10-13. Review status: criteria provided, single submitter. Criteria: Invitae Variant Classification Sherloc (09022015). Collection method: clinical testing. Allele origin: germline.
Comment: This sequence change replaces isoleucine, which is neutral and non-polar, with threonine, which is neutral and polar, at codon 346 of the DCTN1 protein (p.Ile346Thr). This variant is not present in population databases (gnomAD no frequency). This variant has not been reported in the literature in individuals affected with DCTN1-related conditions. ClinVar contains an entry for this variant (Variation ID: 1772979). Invitae Evidence Modeling of protein sequence and biophysical properties (such as structural, functional, and spatial information, amino acid conservation, physicochemical variation, residue mobility, and thermodynamic stability) has been performed for this missense variant. However, the output from this modeling did not meet the statistical confidence thresholds required to predict the impact of this variant on DCTN1 protein function. In summary, the available evidence is currently insufficient to determine the role of this variant in disease. Therefore, it has been classified as a Variant of Uncertain Significance.

Ambry Genetics
Classification: Uncertain significance for Inborn genetic diseases. Last evaluated: 2019-09-05. Review status: criteria provided, single submitter. Criteria: Ambry Variant Classification Scheme 2023. Collection method: clinical testing. Allele origin: germline.
Comment: The p.I346T variant (also known as c.1037T>C), located in coding exon 10 of the DCTN1 gene, results from a T to C substitution at nucleotide position 1037. The isoleucine at codon 346 is replaced by threonine, an amino acid with similar properties. This amino acid position is highly conserved in available vertebrate species. In addition, this alteration is predicted to be deleterious by in silico analysis. Since supporting evidence is limited at this time, the clinical significance of this alteration remains unclear.